The following is an entry in ClinVar:

NM_022552.5(DNMT3A):c.413C>A (p.Thr138Asn)

Gene: DNMT3A (DNA methyltransferase 3 alpha; minus strand). Cytogenetic location: 2p23.3.
Variant type: single nucleotide variant.
Coding change: c.413C>A on transcript NM_022552.5 (MANE Select); coding-DNA position 413, C replaced by A.
Protein change: p.Thr138Asn; replaces threonine 138 with asparagine.
Molecular consequence: missense variant. On other transcripts: non-coding transcript variant (1).
Genome position (GRCh38, 1-based): chr2:25,282,476, G>T on the plus strand (C>A on the coding strand, the complement: DNMT3A is on the minus strand). VCF-style: chr2-25282476-G-T. GRCh37 (hg19) VCF-style: chr2-25505345-G-T.
Other names: c.413C>A, p.Thr138Asn (NM_175629.2, NM_175630.1, NM_001320892.2); short protein forms T138N.
Identifiers: ClinVar variation 2575866 (VCV002575866.2), dbSNP rs1310158529, ClinGen allele CA346083705.

ClinVar aggregate classification (germline): Uncertain significance (1 of 4 stars; one submission).

gnomAD v4.1: 11 of 1,613,108 alleles (0.00068%); highest among the groups gnomAD compares: East Asian, 0.0045%; no homozygotes.

Submission:

GeneDx
Classification: Uncertain significance. Last evaluated: 2023-10-31. Review status: criteria provided, single submitter. Criteria: GeneDx Variant Classification Process June 2021. Collection method: clinical testing. Allele origin: germline. Affected: yes.
Comment: In silico analysis supports that this missense variant has a deleterious effect on protein structure/function; Has not been previously published as pathogenic or benign to our knowledge